The following is an entry in ClinVar:

NM_001035.3(RYR2):c.13304C>T (p.Thr4435Ile)

Gene: RYR2 (ryanodine receptor 2; plus strand). Cytogenetic location: 1q43.
Variant type: single nucleotide variant.
Coding change: c.13304C>T on transcript NM_001035.3 (MANE Select); coding-DNA position 13304, C replaced by T.
Protein change: p.Thr4435Ile; replaces threonine 4435 with isoleucine.
Molecular consequence: missense variant.
Genome position (GRCh38, 1-based): chr1:237,786,012, C>T. VCF-style: chr1-237786012-C-T. GRCh37 (hg19) VCF-style: chr1-237949312-C-T.
Other names: short protein forms T4435I.
Identifiers: ClinVar variation 3070943 (VCV003070943.1), dbSNP rs1695519346, ClinGen allele CA345415915.

ClinVar aggregate classification (germline): Uncertain significance (1 of 4 stars; one submission).

Conditions:
Catecholaminergic polymorphic ventricular tachycardia (CVPT). Also called: Catecholamine-induced polymorphic ventricular tachycardia. Identifiers: Orphanet 3286, MedGen C5574922, MONDO:0017990.

Submission:

All of Us Research Program, National Institutes of Health
Classification: Uncertain significance for Catecholaminergic polymorphic ventricular tachycardia. Last evaluated: 2023-05-08. Review status: criteria provided, single submitter. Criteria: ACMG Guidelines, 2015. Collection method: clinical testing. Allele origin: germline. Inheritance: Autosomal dominant inheritance. Observed: 1 variant allele, 1 heterozygote.
Comment: This study involves interpretation of variants in research participants for the purpose of population health screening. Participant phenotype was not available at the time of variant classification. Additional details can be found in publication PMID: 35346344, PMCID: PMC8962531